The following is an entry in ClinVar:

ClinVar aggregate classification (germline): Uncertain significance. Review status: criteria provided, multiple submitters, no conflicts (2 of 4 stars). 2 submissions from 2 submitters: Uncertain significance (2). Last evaluated 2026-08-31.

Conditions:
Familial thoracic aortic aneurysm and aortic dissection (TAAD). Also called: Thoracic aortic aneurysms and dissections. Identifiers: Orphanet 91387, MedGen C4707243, MONDO:0019625.

gnomAD v4.1: 2 of 1,613,912 alleles (0.00012%); highest among the groups gnomAD compares: South Asian, 0.0011%; no homozygotes.

Submissions (2):

Ambry Genetics
Classification: Uncertain significance for Familial thoracic aortic aneurysm and aortic dissection. Last evaluated: 2026-08-31. Review status: criteria provided, single submitter. Criteria: Ambry Variant Classification Scheme 2023. Collection method: clinical testing. Allele origin: germline.
Comment: The c.973G>T (p.A325S) alteration is located in exon 14 (coding exon 14) of the COL3A1 gene. This alteration results from a G to T substitution at nucleotide position 973, causing the alanine (A) at amino acid position 325 to be replaced by a serine (S). This variant was not reported in population-based cohorts in the Genome Aggregation Database (gnomAD). This amino acid position is not well conserved in available vertebrate species. This alteration is predicted to be tolerated by in silico analysis. Based on insufficient or conflicting evidence, the clinical significance of this alteration remains unclear.

Color Diagnostics, LLC DBA Color Health
Classification: Uncertain significance for Familial thoracic aortic aneurysm and aortic dissection. Last evaluated: 2025-11-17. Review status: criteria provided, single submitter. Criteria: ACMG Guidelines, 2015. Collection method: clinical testing. Allele origin: germline.
Comment: This missense variant replaces alanine with serine at codon 325 of the COL3A1 protein. Computational prediction suggests that this variant may not impact protein structure and function. To our knowledge, functional studies have not been reported for this variant. This variant has not been reported in individuals affected with COL3A1-related disorders in the literature. This variant has been identified in 2/1613912 chromosomes in the general population by the Genome Aggregation Database (gnomAD). The available evidence is insufficient to determine the role of this variant in disease conclusively. Therefore, this variant is classified as a Variant of Uncertain Significance.

NM_000090.4(COL3A1):c.973G>T (p.Ala325Ser)

Gene: COL3A1 (collagen type III alpha 1 chain; plus strand). Cytogenetic location: 2q32.2.
Variant type: single nucleotide variant.
Coding change: c.973G>T on transcript NM_000090.4 (MANE Select); coding-DNA position 973, G replaced by T.
Protein change: p.Ala325Ser; replaces alanine 325 with serine.
Molecular consequence: missense variant.
Genome position (GRCh38, 1-based): chr2:188,992,205, G>T. VCF-style: chr2-188992205-G-T. GRCh37 (hg19) VCF-style: chr2-189856931-G-T.
Other names: short protein forms A325S.
Identifiers: ClinVar variation 2237494 (VCV002237494.4), dbSNP rs746163075, ClinGen allele CA349850112.
Genomic context (GRCh38, chr2:188,992,205, plus strand): 5'-AGAATTAAAAGGATATTTGATGTAAACTTCTCTTTTTAGGGTGCTCGGGGTAATGACGGT[G>T]CTCGAGGCAGTGATGGTCAACCAGTAAGTAACTTTCTATCTCTTATGTGTTGTAGGGTAA-3'
Protein context (NP_000081.2, residues 315-335): GAAGARGNDG[Ala325Ser]RGSDGQPGPP